The following is an entry in ClinVar:

ClinVar aggregate classification (germline): Benign (0 of 4 stars; one submission).

Conditions:
DCHS2-related disorder. Also called: DCHS2-related condition.

Allele frequency attached by ClinVar (database versions not stated): TOPMed 0.00536; gnomAD 0.00638; 1000 Genomes Project 30x 0.01999; 1000 Genomes Project 0.02037; ExAC 0.03429.
gnomAD v4.1: 6,832 of 1,549,434 alleles (0.44%); highest among the groups gnomAD compares: South Asian, 6.1%; 217 homozygotes.

Submission:

PreventionGenetics, part of Exact Sciences
Classification: Benign for DCHS2-related condition. Last evaluated: 2019-03-20. Review status: no assertion criteria provided. Collection method: clinical testing. Allele origin: germline.
Comment: This variant is classified as benign based on ACMG/AMP sequence variant interpretation guidelines (Richards et al. 2015 PMID: 25741868, with internal and published modifications).

NM_001358235.2(DCHS2):c.1188G>A (p.Thr396=)

Gene: DCHS2 (dachsous cadherin-related 2; minus strand). Cytogenetic location: 4q31.3.
Variant type: single nucleotide variant.
Coding change: c.1188G>A on transcript NM_001358235.2 (MANE Select); coding-DNA position 1188, G replaced by A.
Protein change: p.Thr396=; no amino-acid change (threonine 396 retained).
Molecular consequence: synonymous variant.
Genome position (GRCh38, 1-based): chr4:154,490,168, C>T on the plus strand (G>A on the coding strand, the complement: DCHS2 is on the minus strand). VCF-style: chr4-154490168-C-T. GRCh37 (hg19) VCF-style: chr4-155411320-C-T.
Other names: c.1188G>A, p.Thr396= (NM_001142552.2, NM_001412223.1).
Identifiers: ClinVar variation 3042014 (VCV003042014.2), dbSNP rs187892987, ClinGen allele CA3113844.
Genomic context (GRCh38, chr4:154,490,168, plus strand): 5'-GAGCACGTGAATTGCTGGCCGGTTGTCATTCACGTCCAGCACGGCGATGGACACGCGCAC[C>T]GTGGCAACCTCAGGCTCGGCGCCTCCATCGCGGGCCTCCACCACCAACTGGTGCCAGGCC-3'
Protein context (NP_001345164.1, residues 386-406): RDGGAEPEVA[Thr396=]VRVSIAVLDV